The following is an entry in ClinVar:

NM_004086.3(COCH):c.671C>T (p.Ser224Leu)

Genes: COCH (cochlin; plus strand), LOC100506071 (uncharacterized LOC100506071; minus strand). Cytogenetic location: 14q12.
Variant type: single nucleotide variant.
Coding change: c.671C>T on transcript NM_004086.3 (MANE Select); coding-DNA position 671, C replaced by T.
Protein change: p.Ser224Leu; replaces serine 224 with leucine.
Molecular consequence: missense variant. On other transcripts: non-coding transcript variant (1).
Genome position (GRCh38, 1-based): chr14:30,884,594, C>T. VCF-style: chr14-30884594-C-T. GRCh37 (hg19) VCF-style: chr14-31353800-C-T.
Other names: c.671C>T, p.Ser224Leu (NM_001135058.2); c.866C>T, p.Ser289Leu (NM_001347720.2); short protein forms S224L, S289L.
Identifiers: ClinVar variation 3767844 (VCV003767844.1).

ClinVar aggregate classification (germline): Uncertain significance (1 of 4 stars; one submission).

gnomAD v4.1: 1 of 1,613,738 alleles (0.000062%); highest among the groups gnomAD compares: Non-Finnish European, 0.000085%; no homozygotes.

Submission:

GeneDx
Classification: Uncertain significance. Last evaluated: 2024-09-06. Review status: criteria provided, single submitter. Criteria: GeneDx Variant Classification Process June 2021. Collection method: clinical testing. Allele origin: germline. Affected: yes.
Comment: Not observed at significant frequency in large population cohorts (gnomAD); In silico analysis supports that this missense variant has a deleterious effect on protein structure/function; Has not been previously published as pathogenic or benign to our knowledge; In silico analysis is inconclusive as to whether the variant alters gene splicing. In the absence of RNA/functional studies, the actual effect of this sequence change is unknown.